The following is an entry in ClinVar:

ClinVar aggregate classification (germline): Likely benign (1 of 4 stars; one submission).

Allele frequency attached by ClinVar (database versions not stated): gnomAD 0.00003 and 0.00004; TOPMed 0.00004.

Submission:

GeneDx
Classification: Likely benign. Last evaluated: 2016-11-29. Review status: criteria provided, single submitter. Criteria: GeneDx Variant Classification (06012015). Collection method: clinical testing. Allele origin: germline. Affected: yes.
Comment: This variant is considered likely benign or benign based on one or more of the following criteria: it is a conservative change, it occurs at a poorly conserved position in the protein, it is predicted to be benign by multiple in silico algorithms, and/or has population frequency not consistent with disease.

NM_001972.4(ELANE):c.*15G>T

Gene: ELANE (elastase, neutrophil expressed; plus strand). Cytogenetic location: 19p13.3.
Variant type: single nucleotide variant.
Coding change: c.*15G>T on transcript NM_001972.4 (MANE Select); 15 bases downstream of the stop codon, G replaced by T.
Molecular consequence: 3 prime UTR variant.
Genome position (GRCh38, 1-based): chr19:856,179, G>T. VCF-style: chr19-856179-G-T. GRCh37 (hg19) VCF-style: chr19-856179-G-T.
Other names: c.*15G>T (LRG_57t1).
Identifiers: ClinVar variation 390193 (VCV000390193.1), dbSNP rs961341040, ClinGen allele CA16608330.